The following is an entry in ClinVar:

NM_006267.5(RANBP2):c.2321A>G (p.Glu774Gly)

Gene: RANBP2 (RAN binding protein 2; plus strand). Cytogenetic location: 2q13.
Variant type: single nucleotide variant.
Coding change: c.2321A>G on transcript NM_006267.5 (MANE Select); coding-DNA position 2321, A replaced by G.
Protein change: p.Glu774Gly; replaces glutamic acid 774 with glycine.
Molecular consequence: missense variant.
Genome position (GRCh38, 1-based): chr2:108,755,023, A>G. VCF-style: chr2-108755023-A-G. GRCh37 (hg19) VCF-style: chr2-109371479-A-G.
Other names: short protein forms E774G.
Identifiers: ClinVar variation 1311095 (VCV001311095.2), dbSNP rs1676189155, ClinGen allele CA348055958.
Genomic context (GRCh38, chr2:108,755,023, plus strand): 5'-AAGACTATAGTGAAGGAGGTCCTCTCTATAAAAATGGTTCTTTGCGAAATGCAGATTCAG[A>G]AATAAAACATTCTACACCGTCTCCTACCAGATATTCACTATCACCAAGTAAAAGTTACAA-3'
Protein context (NP_006258.3, residues 764-784): KNGSLRNADS[Glu774Gly]IKHSTPSPTR

ClinVar aggregate classification (germline): Uncertain significance (1 of 4 stars; one submission).

gnomAD v4.1: 1 of 1,611,946 alleles (0.000062%); no homozygotes.

Submission:

GeneDx
Classification: Uncertain significance. Last evaluated: 2020-01-14. Review status: criteria provided, single submitter. Criteria: GeneDx Variant Classification Process June 2021. Collection method: clinical testing. Allele origin: germline. Affected: yes.
Comment: Not observed in large population cohorts (Lek et al., 2016); In silico analysis, which includes protein predictors and evolutionary conservation, supports a deleterious effect; Has not been previously published as pathogenic or benign to our knowledge